The following is an entry in ClinVar:

ClinVar aggregate classification (germline): Benign/Likely benign. Review status: criteria provided, multiple submitters, no conflicts (2 of 4 stars). 6 submissions from 6 submitters: Benign (2); Likely benign (3). 1 of the submissions does not count toward it. Last evaluated 2026-03-01.

Conditions:
AHDC1-related disorder. Also called: AHDC1-related condition.
AHDC1-related intellectual disability - obstructive sleep apnea - mild dysmorphism syndrome. Also called: Xia-Gibbs syndrome. Identifiers: Orphanet 412069, MedGen C4014419, MONDO:0014358, OMIM 615829.

Allele frequency attached by ClinVar (database versions not stated): gnomAD exomes 0.00065; ExAC 0.00081; gnomAD 0.00241 and 0.00258; ESP Exome Variant Server 0.00280; 1000 Genomes Project 30x 0.00281; TOPMed 0.00287; 1000 Genomes Project 0.00300.

Submissions (6):

CeGaT Center for Human Genetics Tuebingen
Classification: Likely benign. Last evaluated: 2026-03-01. Review status: criteria provided, single submitter. Criteria: CeGaT Center For Human Genetics Tuebingen Variant Classification Criteria Version 2. Collection method: clinical testing. Allele origin: germline. Affected: yes. Observed: 1 variant allele.
Comment: AHDC1: BS1

Labcorp Genetics (formerly Invitae), Labcorp
Classification: Likely benign. Last evaluated: 2026-02-03. Review status: criteria provided, single submitter. Criteria: Invitae Variant Classification Sherloc (09022015). Collection method: clinical testing. Allele origin: germline.

Genome-Nilou Lab
Classification: Benign for AHDC1-related intellectual disability - obstructive sleep apnea - mild dysmorphism syndrome. Last evaluated: 2021-12-05. Review status: criteria provided, single submitter. Criteria: ACMG Guidelines, 2015. Collection method: clinical testing. Allele origin: germline. Affected: no.

GeneDx
Classification: Benign. Last evaluated: 2019-03-25. Review status: criteria provided, single submitter. Criteria: GeneDx Variant Classification Process June 2021. Collection method: clinical testing. Allele origin: germline. Affected: yes.

Center for Pediatric Genomic Medicine, Children's Mercy Hospital and Clinics
Classification: Likely benign. Last evaluated: 2016-12-02. Review status: criteria provided, single submitter. Criteria: ACMG Guidelines, 2015. Collection method: clinical testing. Allele origin: germline.
ClinVar note: Converted during submission from Likely Benign to Likely benign.

PreventionGenetics, part of Exact Sciences
Classification: Benign for AHDC1-related condition. Last evaluated: 2021-02-03. Review status: no assertion criteria provided. Collection method: clinical testing. Allele origin: germline. Not counted in ClinVar's aggregate classification.
Comment: This variant is classified as benign based on ACMG/AMP sequence variant interpretation guidelines (Richards et al. 2015 PMID: 25741868, with internal and published modifications).

NM_001371928.1(AHDC1):c.286C>T (p.Arg96Cys)

Gene: AHDC1 (AT-hook DNA binding motif containing 1; minus strand). Cytogenetic location: 1p36.11.
Variant type: single nucleotide variant.
Coding change: c.286C>T on transcript NM_001371928.1 (MANE Select); coding-DNA position 286, C replaced by T.
Protein change: p.Arg96Cys; replaces arginine 96 with cysteine.
Molecular consequence: missense variant.
Genome position (GRCh38, 1-based): chr1:27,551,830, G>A on the plus strand (C>T on the coding strand, the complement: AHDC1 is on the minus strand). VCF-style: chr1-27551830-G-A. GRCh37 (hg19) VCF-style: chr1-27878341-G-A.
Other names: c.286C>T, p.Arg96Cys (NM_001029882.3); c.286C>T (NM_001029882.2); short protein forms R96C.
Identifiers: ClinVar variation 377337 (VCV000377337.23), dbSNP rs141734980, ClinGen allele CA716181.